The following is an entry in ClinVar:

NM_007294.4(BRCA1):c.5406+9T>C

Gene: BRCA1 (BRCA1 DNA repair associated; minus strand). Cytogenetic location: 17q21.31.
Variant type: single nucleotide variant.
Coding change: c.5406+9T>C on transcript NM_007294.4 (MANE Select); 9 bases into the intron after coding-DNA position 5406, T replaced by C.
Molecular consequence: intron variant.
Genome position (GRCh38, 1-based): chr17:43,049,112, A>G on the plus strand (T>C on the coding strand, the complement: BRCA1 is on the minus strand). VCF-style: chr17-43049112-A-G. GRCh37 (hg19) VCF-style: chr17-41201129-A-G.
Other names: IVS22+9T>C; c.1833+9T>C (NM_001408500.1, NM_001408497.1, NM_001408496.1 and 3 more transcripts); c.5142+9T>C (NM_001407921.1, NM_001407926.1, NM_001407924.1 and 4 more transcripts); c.1953+9T>C (NM_001408466.1, NM_001408460.1, NM_001408465.1 and 7 more transcripts); c.1956+9T>C (NM_001408452.1, NM_001408457.1, NM_001408454.1 and 3 more transcripts); c.5259+9T>C (NM_001407850.1, NM_001407844.1, NM_001407851.1 and 12 more transcripts); c.5262+9T>C (NM_001407752.1, NM_001407734.1, NM_001407743.1 and 18 more transcripts); c.5189-1409T>C (NM_001407944.1, NM_001407945.1, NM_001407943.1); and 85 more.
Identifiers: ClinVar variation 125844 (VCV000125844.17), dbSNP rs80358040, ClinGen allele CA003566.
Genomic context (GRCh38, chr17:43,049,112, plus strand): 5'-CAGGTGCCAGTCTTGCTCACAGGAGAGAATATTGTGTCCTCCCTCTCTGACAGGGCACCC[A>G]ATACTTACTGTGCCAAGGGTGAATGATGAAAGCTCCTTCACCACAGAAGCACCACACAGC-3'

ClinVar aggregate classification (germline): Conflicting classifications of pathogenicity. Review status: criteria provided, conflicting classifications (1 of 4 stars). 5 submissions from 5 submitters: Uncertain significance (1); Benign (1); Likely benign (2). 1 of the submissions does not count toward it. Last evaluated 2025-08-11.

Conditions:
Breast and/or ovarian cancer. Identifiers: MedGen CN221562.
Hereditary breast ovarian cancer syndrome. Also called: Hereditary breast and/or ovarian cancer syndrome; Breast and ovarian cancer; Hereditary breast and ovarian cancer syndrome; Hereditary breast and ovarian cancer; Hereditary breast and ovarian cancer syndrome (HBOC); BRCA1- and BRCA2-Associated Hereditary Breast and Ovarian Cancer. Identifiers: Orphanet 145, MedGen C0677776, MeSH D061325, MONDO:0003582. Disease mechanism: loss of function.
Breast-ovarian cancer, familial, susceptibility to, 1 (BROVCA1). Also called: BRCA1 Hereditary Breast and Ovarian Cancer; OVARIAN CANCER, SUSCEPTIBILITY TO. Identifiers: Orphanet 145, MedGen C2676676, MONDO:0011450, OMIM 604370. Disease mechanism: loss of function.

Allele frequency attached by ClinVar (database versions not stated): gnomAD exomes below 0.00001; TOPMed 0.00002.
gnomAD v4.1: 2 of 1,613,066 alleles (0.00012%); highest among the groups gnomAD compares: African/African-American, 0.0013%; no homozygotes.

Submissions (6):

Myriad Genetics, Inc.
Classification: Benign for Breast-ovarian cancer, familial, susceptibility to, 1. Last evaluated: 2025-08-11. Review status: criteria provided, single submitter. Criteria: Myriad Autosomal Dominant, Autosomal Recessive and X-Linked Classification Criteria (2023). Collection method: clinical testing. Allele origin: unknown.
Comment: This variant is considered benign. This variant is intronic and is not expected to impact mRNA splicing. This variant is strongly associated with less severe personal and family histories of cancer, typical for individuals without pathogenic variants in this gene [PMID: 25085752].

Labcorp Genetics (formerly Invitae), Labcorp
Classification: Likely benign for Hereditary breast ovarian cancer syndrome. Last evaluated: 2025-06-29. Review status: criteria provided, single submitter. Criteria: Invitae Variant Classification Sherloc (09022015). Collection method: clinical testing. Allele origin: germline.

Quest Diagnostics Nichols Institute San Juan Capistrano
Classification: Likely benign. Last evaluated: 2020-08-03. Review status: criteria provided, single submitter. Criteria: Quest Diagnostics criteria. Collection method: clinical testing. Allele origin: unknown.

CHEO Genetics Diagnostic Laboratory, Children's Hospital of Eastern Ontario
Classification: Uncertain significance for Breast and/or ovarian cancer. Last evaluated: 2020-05-22. Review status: criteria provided, single submitter. Criteria: ACMG Guidelines, 2015. Collection method: clinical testing. Allele origin: germline.

Breast Cancer Information Core (BIC) (BRCA1)
Classification: Uncertain significance for Breast-ovarian cancer, familial 1. Last evaluated: 2004-11-25. Review status: no assertion criteria provided. Collection method: clinical testing. Allele origin: germline. Affected: yes. Observed: 1 variant allele. Not counted in ClinVar's aggregate classification.

Brotman Baty Institute, University of Washington
No classification provided (evidence only). Condition: Breast-ovarian cancer, familial 1. Review status: no classification provided. Collection method: in vitro. Allele origin: not applicable. Functional consequence: functionally_normal. Not counted in ClinVar's aggregate classification.
ClinVar note: "not provided" was previously submitted as the classification for the variant. However, the classification appeared to be based only on an observation of functional data so it was converted to no classification on 2025-07-30.

Literature cited by the submitters: PubMed 25085752 (cited by Myriad Genetics, Inc.); PubMed 21394826 (cited by Quest Diagnostics Nichols Institute San Juan Capistrano).